The following is an entry in ClinVar:

ClinVar aggregate classification (germline): Uncertain significance (1 of 4 stars; one submission).

Submission:

Labcorp Genetics (formerly Invitae), Labcorp
Classification: Uncertain significance. Last evaluated: 2025-07-18. Review status: criteria provided, single submitter. Criteria: Invitae Variant Classification Sherloc (09022015). Collection method: clinical testing. Allele origin: germline.
Comment: This sequence change replaces proline, which is neutral and non-polar, with leucine, which is neutral and non-polar, at codon 714 of the PACS2 protein (p.Pro714Leu). This variant is present in population databases (no rsID available, gnomAD 0.0004%). This variant has not been reported in the literature in individuals affected with PACS2-related conditions. An algorithm developed to predict the effect of missense changes on protein structure and function (PolyPhen-2) suggests that this variant is likely to be disruptive. In summary, the available evidence is currently insufficient to determine the role of this variant in disease. Therefore, it has been classified as a Variant of Uncertain Significance.

NM_001100913.3(PACS2):c.2141_2142delinsTA (p.Pro714Leu)

Gene: PACS2 (phosphofurin acidic cluster sorting protein 2; plus strand). Cytogenetic location: 14q32.33.
Variant type: Indel.
Coding change: c.2141_2142delinsTA on transcript NM_001100913.3 (MANE Select); coding-DNA positions 2141 to 2142, CC replaced by TA.
Protein change: p.Pro714Leu; replaces proline 714 with leucine.
Molecular consequence: missense variant.
Genome position (GRCh38, 1-based): chr14:105,391,652-105,391,653, CC replaced by TA. VCF-style: chr14-105391652-CC-TA. GRCh37 (hg19) VCF-style: chr14-105857989-CC-TA.
Other names: c.1871_1872delinsTA, p.Pro624Leu (NM_001243127.3); c.2096_2097delinsTA, p.Pro699Leu (NM_015197.4); short protein forms P624L, P699L, P714L.
Identifiers: ClinVar variation 4776385 (VCV004776385.1).